The following is an entry in ClinVar:

NM_001378969.1(KCND3):c.235A>G (p.Thr79Ala)

Gene: KCND3 (potassium voltage-gated channel subfamily D member 3; minus strand). Cytogenetic location: 1p13.2.
Variant type: single nucleotide variant.
Coding change: c.235A>G on transcript NM_001378969.1 (MANE Select); coding-DNA position 235, A replaced by G.
Protein change: p.Thr79Ala; replaces threonine 79 with alanine.
Molecular consequence: missense variant.
Genome position (GRCh38, 1-based): chr1:111,982,492, T>C on the plus strand (A>G on the coding strand, the complement: KCND3 is on the minus strand). VCF-style: chr1-111982492-T-C. GRCh37 (hg19) VCF-style: chr1-112525114-T-C.
Other names: c.235A>G, p.Thr79Ala (NM_001378970.1, NM_004980.5, NM_172198.3); short protein forms T79A.
Identifiers: ClinVar variation 3224549 (VCV003224549.1), dbSNP rs1675013001, ClinGen allele CA341822609.
Genomic context (GRCh38, chr1:111,982,492, plus strand): 5'-GGTAGAAGTTGAGCACGCAGCGGAACACCTCGGGGTCCCGGTCGAAGAAGTACTCCTTGG[T>C]GTCCTCGTTGAAGAAGAACTCCTTCTCCGTGCTGCCCAGCAGGGTGTCCGGGTAGCGCTC-3'
Protein context (NP_001365898.1, residues 69-89): TEKEFFFNED[Thr79Ala]KEYFFDRDPE

ClinVar aggregate classification (germline): Uncertain significance (1 of 4 stars; one submission).

Conditions:
Cardiovascular phenotype. Identifiers: MedGen CN230736.

Allele frequency attached by ClinVar (database versions not stated): TOPMed below 0.00001.

Submission:

Ambry Genetics
Classification: Uncertain significance for Cardiovascular phenotype. Last evaluated: 2023-10-10. Review status: criteria provided, single submitter. Criteria: Ambry Variant Classification Scheme 2023. Collection method: clinical testing. Allele origin: germline.
Comment: The p.T79A variant (also known as c.235A>G), located in coding exon 1 of the KCND3 gene, results from an A to G substitution at nucleotide position 235. The threonine at codon 79 is replaced by alanine, an amino acid with similar properties. This amino acid position is conserved. In addition, this alteration is predicted to be tolerated by in silico analysis. Since supporting evidence is limited at this time, the clinical significance of this alteration remains unclear.